The following is an entry in ClinVar:

ClinVar aggregate classification (germline): Uncertain significance. Review status: criteria provided, multiple submitters, no conflicts (2 of 4 stars). 2 submissions from 2 submitters: Uncertain significance (2). Last evaluated 2022-12-03.

Conditions:
Charcot-Marie-Tooth disease type 2. Also called: Charcot-Marie-Tooth type 2. Identifiers: Orphanet 64746, MedGen C0270914, MONDO:0018993.

Allele frequency attached by ClinVar (database versions not stated): gnomAD exomes below 0.00001 and 0.00001; ExAC 0.00001; gnomAD 0.00002; TOPMed 0.00002.
gnomAD v4.1: 5 of 1,613,886 alleles (0.00031%); highest among the groups gnomAD compares: African/African-American, 0.0053%; no homozygotes.

Submissions (2):

Ambry Genetics
Classification: Uncertain significance. Last evaluated: 2022-12-03. Review status: criteria provided, single submitter. Criteria: Ambry Variant Classification Scheme 2023. Collection method: clinical testing. Allele origin: germline.
Comment: The p.G852D variant (also known as c.2555G>A), located in coding exon 24 of the KIF1B gene, results from a G to A substitution at nucleotide position 2555. The glycine at codon 852 is replaced by aspartic acid, an amino acid with similar properties. This amino acid position is highly conserved in available vertebrate species. In addition, this alteration is predicted to be deleterious by in silico analysis. Since supporting evidence is limited at this time, the clinical significance of this alteration remains unclear.

Labcorp Genetics (formerly Invitae), Labcorp
Classification: Uncertain significance for Charcot-Marie-Tooth disease type 2. Last evaluated: 2019-06-18. Review status: criteria provided, single submitter. Criteria: Invitae Variant Classification Sherloc (09022015). Collection method: clinical testing. Allele origin: germline.
Comment: This sequence change replaces glycine with aspartic acid at codon 852 of the KIF1B protein (p.Gly852Asp). The glycine residue is moderately conserved and there is a moderate physicochemical difference between glycine and aspartic acid. This variant is present in population databases (rs766101107, ExAC 0.01%). In summary, the available evidence is currently insufficient to determine the role of this variant in disease. Therefore, it has been classified as a Variant of Uncertain Significance. Algorithms developed to predict the effect of missense changes on protein structure and function are either unavailable or do not agree on the potential impact of this missense change (SIFT: "Tolerated"; PolyPhen-2: "Probably Damaging"; Align-GVGD: "Class C0"). This variant has not been reported in the literature in individuals with KIF1B-related conditions.

NM_001365951.3(KIF1B):c.2693G>A (p.Gly898Asp)

Genes: KIF1B (kinesin family member 1B; plus strand), LOC126805614 (BRD4-independent group 4 enhancer GRCh37_chr1:10385546-10386745; plus strand). Cytogenetic location: 1p36.22.
Variant type: single nucleotide variant.
Coding change: c.2693G>A on transcript NM_001365951.3 (MANE Select); coding-DNA position 2693, G replaced by A.
Protein change: p.Gly898Asp; replaces glycine 898 with aspartic acid.
Molecular consequence: missense variant.
Genome position (GRCh38, 1-based): chr1:10,326,128, G>A. VCF-style: chr1-10326128-G-A. GRCh37 (hg19) VCF-style: chr1-10386186-G-A.
Other names: c.2693G>A, p.Gly898Asp (NM_001365952.1); c.2555G>A, p.Gly852Asp (NM_015074.3); short protein forms G898D, G852D.
Identifiers: ClinVar variation 951933 (VCV000951933.13), dbSNP rs766101107, ClinGen allele CA581591.